The following is an entry in ClinVar:

ClinVar aggregate classification (germline): Likely benign (1 of 4 stars; one submission).

Submission:

CeGaT Center for Human Genetics Tuebingen
Classification: Likely benign. Last evaluated: 2025-10-01. Review status: criteria provided, single submitter. Criteria: CeGaT Center For Human Genetics Tuebingen Variant Classification Criteria Version 2. Collection method: clinical testing. Allele origin: germline. Affected: yes. Observed: 1 variant allele.
Comment: PLCE1: PM2:Supporting, BP4, BP7

NM_016341.4(PLCE1):c.2913T>A (p.Gly971=)

Gene: PLCE1 (phospholipase C epsilon 1; plus strand). Cytogenetic location: 10q23.33.
Variant type: single nucleotide variant.
Coding change: c.2913T>A on transcript NM_016341.4 (MANE Select); coding-DNA position 2913, T replaced by A.
Protein change: p.Gly971=; no amino-acid change (glycine 971 retained).
Molecular consequence: synonymous variant.
Genome position (GRCh38, 1-based): chr10:94,246,438, T>A. VCF-style: chr10-94246438-T-A. GRCh37 (hg19) VCF-style: chr10-96006195-T-A.
Other names: c.1989T>A, p.Gly663= (NM_001165979.2); c.2913T>A, p.Gly971= (NM_001288989.2).
Identifiers: ClinVar variation 4534880 (VCV004534880.6).